The following is an entry in ClinVar:

ClinVar aggregate classification (germline): Uncertain significance (1 of 4 stars; one submission).

Allele frequency attached by ClinVar (database versions not stated): TOPMed below 0.00001; gnomAD 0.00001.

Submission:

Labcorp Genetics (formerly Invitae), Labcorp
Classification: Uncertain significance. Last evaluated: 2022-07-04. Review status: criteria provided, single submitter. Criteria: Invitae Variant Classification Sherloc (09022015). Collection method: clinical testing. Allele origin: germline.
Comment: This variant is not present in population databases (gnomAD no frequency). This sequence change falls in intron 2 of the TANGO2 gene. It does not directly change the encoded amino acid sequence of the TANGO2 protein. It affects a nucleotide within the consensus splice site. This variant has not been reported in the literature in individuals affected with TANGO2-related conditions. In summary, the available evidence is currently insufficient to determine the role of this variant in disease. Therefore, it has been classified as a Variant of Uncertain Significance. Variants that disrupt the consensus splice site are a relatively common cause of aberrant splicing (PMID: 17576681, 9536098). Algorithms developed to predict the effect of sequence changes on RNA splicing suggest that this variant is not likely to affect RNA splicing.

Literature cited by the submitters: PubMed 17576681; PubMed 9536098.

NM_152906.7(TANGO2):c.56+5C>A

Gene: TANGO2 (transport and golgi organization 2 homolog; plus strand). Cytogenetic location: 22q11.21.
Variant type: single nucleotide variant.
Coding change: c.56+5C>A on transcript NM_152906.7 (MANE Select); 5 bases into the intron after coding-DNA position 56, C replaced by A.
Molecular consequence: intron variant. On other transcripts: 5 prime UTR variant (12), non-coding transcript variant (1).
Genome position (GRCh38, 1-based): chr22:20,036,859, C>A. VCF-style: chr22-20036859-C-A. GRCh37 (hg19) VCF-style: chr22-20024382-C-A.
Other names: c.-57C>A (NM_001283129.3, NM_001283215.3, NM_001322141.2 and 5 more transcripts); c.-359C>A (NM_001322148.2, NM_001322150.2, NM_001322172.2 and 1 more transcripts); c.56+5C>A (NM_001283106.3, NM_001322163.2, NM_001283179.3 and 10 more transcripts); c.-124+5C>A (NM_001322174.2, NM_001322160.2, NM_001322175.2 and 5 more transcripts).
Identifiers: ClinVar variation 2106829 (VCV002106829.4), dbSNP rs2042939761, ClinGen allele CA1024154671.